The following is an entry in ClinVar:

NM_024422.6(DSC2):c.119C>G (p.Pro40Arg)

Gene: DSC2 (desmocollin 2; minus strand). Cytogenetic location: 18q12.1.
Variant type: single nucleotide variant.
Coding change: c.119C>G on transcript NM_024422.6 (MANE Select); coding-DNA position 119, C replaced by G.
Protein change: p.Pro40Arg; replaces proline 40 with arginine.
Molecular consequence: missense variant. On other transcripts: 5 prime UTR variant (2).
Genome position (GRCh38, 1-based): chr18:31,093,594, G>C on the plus strand (C>G on the coding strand, the complement: DSC2 is on the minus strand). VCF-style: chr18-31093594-G-C. GRCh37 (hg19) VCF-style: chr18-28673557-G-C.
Other names: c.-311C>G (NM_001406506.1, NM_001406507.1); c.119C>G, p.Pro40Arg (NM_004949.5); short protein forms P40R.
Identifiers: ClinVar variation 3070599 (VCV003070599.1), dbSNP rs1022171817, ClinGen allele CA402115079.
Genomic context (GRCh38, chr18:31,093,594, plus strand): 5'-ATTACAAATTTTAGGGCTTCCTTACCTCTACCAACAAGTTTCTCGGCATCTAGTTTGGAG[G>C]GAACATGTAATGTCACATTTTTGCAGGCATCACTGGCAAATATTAAGATCTAAAAAATGA-3'
Protein context (NP_077740.1, residues 30-50): DACKNVTLHV[Pro40Arg]SKLDAEKLVG

ClinVar aggregate classification (germline): Uncertain significance (1 of 4 stars; one submission).

Conditions:
Familial isolated arrhythmogenic right ventricular dysplasia. Identifiers: Orphanet 217656, MedGen C4274968, MONDO:0016342.

Submission:

All of Us Research Program, National Institutes of Health
Classification: Uncertain significance for Familial isolated arrhythmogenic right ventricular dysplasia. Last evaluated: 2023-04-27. Review status: criteria provided, single submitter. Criteria: ACMG Guidelines, 2015. Collection method: clinical testing. Allele origin: germline. Inheritance: Autosomal dominant inheritance. Observed: 1 variant allele, 1 heterozygote.
Comment: This study involves interpretation of variants in research participants for the purpose of population health screening. Participant phenotype was not available at the time of variant classification. Additional details can be found in publication PMID: 35346344, PMCID: PMC8962531